The following is an entry in ClinVar:

NM_003480.4(MFAP5):c.351C>G (p.Tyr117Ter)

Gene: MFAP5 (microfibril associated protein 5; minus strand). Cytogenetic location: 12p13.31.
Variant type: single nucleotide variant.
Coding change: c.351C>G on transcript NM_003480.4 (MANE Select); coding-DNA position 351, C replaced by G.
Protein change: p.Tyr117Ter; replaces tyrosine 117 with a stop codon.
Molecular consequence: nonsense. On other transcripts: non-coding transcript variant (2), intron variant (1).
Genome position (GRCh38, 1-based): chr12:8,649,559, G>C on the plus strand (C>G on the coding strand, the complement: MFAP5 is on the minus strand). VCF-style: chr12-8649559-G-C. GRCh37 (hg19) VCF-style: chr12-8802155-G-C.
Other names: c.321C>G, p.Tyr107Ter (NM_001297709.2); c.285C>G, p.Tyr95Ter (NM_001297710.2); c.276C>G, p.Tyr92Ter (NM_001297711.2); c.218-1356C>G (NM_001297712.2); short protein forms Y107*, Y92*, Y117*, Y95*.
Identifiers: ClinVar variation 3674134 (VCV003674134.2).

ClinVar aggregate classification (germline): Uncertain significance (1 of 4 stars; one submission).

gnomAD v4.1: 1 of 1,613,984 alleles (0.000062%); highest among the groups gnomAD compares: Non-Finnish European, 0.000085%; no homozygotes.

Submission:

Labcorp Genetics (formerly Invitae), Labcorp
Classification: Uncertain significance. Last evaluated: 2024-12-24. Review status: criteria provided, single submitter. Criteria: Invitae Variant Classification Sherloc (09022015). Collection method: clinical testing. Allele origin: germline.
Comment: This sequence change creates a premature translational stop signal (p.Tyr117*) in the MFAP5 gene. It is expected to result in an absent or disrupted protein product. However, the current clinical and genetic evidence is not sufficient to establish whether loss-of-function variants in MFAP5 cause disease. This variant is not present in population databases (gnomAD no frequency). This variant has not been reported in the literature in individuals affected with MFAP5-related conditions. In summary, the available evidence is currently insufficient to determine the role of this variant in disease. Therefore, it has been classified as a Variant of Uncertain Significance.